The following is an entry in ClinVar:

ClinVar aggregate classification (germline): Uncertain significance (1 of 4 stars; one submission).

gnomAD v4.1: 3 of 1,614,172 alleles (0.00019%); highest among the groups gnomAD compares: Admixed American, 0.0017%; no homozygotes.

Submission:

GeneDx
Classification: Uncertain significance. Last evaluated: 2023-06-16. Review status: criteria provided, single submitter. Criteria: GeneDx Variant Classification Process June 2021. Collection method: clinical testing. Allele origin: germline. Affected: yes.
Comment: In silico analysis supports that this missense variant has a deleterious effect on protein structure/function; Has not been previously published as pathogenic or benign to our knowledge

NM_017852.5(NLRP2):c.2492T>C (p.Leu831Pro)

Gene: NLRP2 (NLR family pyrin domain containing 2; plus strand). Cytogenetic location: 19q13.42.
Variant type: single nucleotide variant.
Coding change: c.2492T>C on transcript NM_017852.5 (MANE Select); coding-DNA position 2492, T replaced by C.
Protein change: p.Leu831Pro; replaces leucine 831 with proline.
Molecular consequence: missense variant. On other transcripts: non-coding transcript variant (1).
Genome position (GRCh38, 1-based): chr19:54,990,147, T>C. VCF-style: chr19-54990147-T-C. GRCh37 (hg19) VCF-style: chr19-55501515-T-C.
Other names: c.2492T>C, p.Leu831Pro (NM_001174081.3); c.2426T>C, p.Leu809Pro (NM_001174082.3); c.2423T>C, p.Leu808Pro (NM_001174083.2); c.2483T>C, p.Leu828Pro (NM_001348003.2); short protein forms L808P, L809P, L828P, L831P.
Identifiers: ClinVar variation 3360050 (VCV003360050.1).